The following is an entry in ClinVar:

ClinVar aggregate classification (germline): Likely pathogenic (1 of 4 stars; one submission).

Conditions:
Dilated cardiomyopathy 1G (CMD1G). Identifiers: Orphanet 154, MedGen C1858763, MONDO:0011400, OMIM 604145.
Autosomal recessive limb-girdle muscular dystrophy type 2J (LGMDR10). Also called: Limb-girdle muscular dystrophy, type 2J; MUSCULAR DYSTROPHY, LIMB-GIRDLE, AUTOSOMAL RECESSIVE 10. Identifiers: Orphanet 140922, MedGen C1837342, MONDO:0012127, OMIM 608807.

Submission:

Labcorp Genetics (formerly Invitae), Labcorp
Classification: Likely pathogenic for Dilated cardiomyopathy 1G; Autosomal recessive limb-girdle muscular dystrophy type 2J. Last evaluated: 2024-03-04. Review status: criteria provided, single submitter. Criteria: Invitae Variant Classification Sherloc (09022015). Collection method: clinical testing. Allele origin: germline.
Comment: This sequence change creates a premature translational stop signal (p.Trp31956*) in the TTN gene. While this is not anticipated to result in nonsense mediated decay, it is expected to create a truncated TTN protein. This variant is not present in population databases (gnomAD no frequency). This premature translational stop signal has been observed in individual(s) with autosomal recessive congenital myopathy (PMID: 30365001). This variant is also known as c.95867G>A. This variant is located in the A band of TTN (PMID: 25589632). Truncating variants in this region are significantly overrepresented in patients affected with dilated cardiomyopathy (PMID: 25589632). Truncating variants in this region have also been reported in individuals affected with autosomal recessive centronuclear myopathy (PMID: 23975875). In summary, the currently available evidence indicates that the variant is pathogenic, but additional data are needed to prove that conclusively. Therefore, this variant has been classified as Likely Pathogenic.

Literature cited by the submitters: PubMed 30365001; PubMed 25589632; PubMed 23975875.

NM_001267550.2(TTN):c.95868G>A (p.Trp31956Ter)

Genes: TTN (titin; minus strand), TTN-AS1 (TTN antisense RNA 1; plus strand). Cytogenetic location: 2q31.2.
Variant type: single nucleotide variant.
Coding change: c.95868G>A on transcript NM_001267550.2 (MANE Select); coding-DNA position 95868, G replaced by A.
Protein change: p.Trp31956Ter; replaces tryptophan 31956 with a stop codon.
Molecular consequence: nonsense.
Genome position (GRCh38, 1-based): chr2:178,544,361, C>T on the plus strand (G>A on the coding strand, the complement: TTN is on the minus strand). VCF-style: chr2-178544361-C-T. GRCh37 (hg19) VCF-style: chr2-179409088-C-T.
Other names: c.90945G>A, p.Trp30315Ter (NM_001256850.1); c.68673G>A, p.Trp22891Ter (NM_003319.4); c.88164G>A, p.Trp29388Ter (NM_133378.4); c.69048G>A, p.Trp23016Ter (NM_133432.3); c.69249G>A, p.Trp23083Ter (NM_133437.4); short protein forms W22891*, W23016*, W23083*, W29388*, W30315*, W31956*.
Identifiers: ClinVar variation 3755098 (VCV003755098.2).
Genomic context (GRCh38, chr2:178,544,361, plus strand): 5'-TTTAAGGTCTGGCACAGTGAATTCAGTATTTCTTATTGTGGCATTGGTATGCACTCGGTA[C>T]CACTGATCAGTGTCCTTCTCTTGCATTTCCAGAACATATCCTACAATGTCAGTACCACCA-3'